The following is an entry in ClinVar:

NM_012062.5(DNM1L):c.2155G>T (p.Ala719Ser)

Gene: DNM1L (dynamin 1 like; plus strand). Cytogenetic location: 12p11.21.
Variant type: single nucleotide variant.
Coding change: c.2155G>T on transcript NM_012062.5 (MANE Select); coding-DNA position 2155, G replaced by T.
Protein change: p.Ala719Ser; replaces alanine 719 with serine.
Molecular consequence: missense variant.
Genome position (GRCh38, 1-based): chr12:32,743,354, G>T. VCF-style: chr12-32743354-G-T. GRCh37 (hg19) VCF-style: chr12-32896288-G-T.
Other names: NC_000012.11:g.32896288G>T; c.2122G>T, p.Ala708Ser (NM_001278463.2); c.2194G>T, p.Ala732Ser (NM_001278464.2); c.2161G>T, p.Ala721Ser (NM_001278465.2); c.1546G>T, p.Ala516Ser (NM_001278466.2); c.2083G>T, p.Ala695Ser (NM_001330380.2); c.2044G>T, p.Ala682Ser (NM_005690.5); c.2077G>T, p.Ala693Ser (NM_012063.4); short protein forms A516S, A732S, A682S, A719S, A721S, A693S, A695S, A708S.
Identifiers: ClinVar variation 3572474 (VCV003572474.2).
Genomic context (GRCh38, chr12:32,743,354, plus strand): 5'-ATTCAGATTAATTTCATAACTTTATAATAAGCATTTAAAATTTTTTTTCCTTTAATGCAG[G>T]CATTACAAGGAGCCAGTCAAATTATTGCTGAAATCCGGGAGACTCATCTTTGGTGAAGAG-3'
Protein context (NP_036192.2, residues 709-729): RRKEAADMLK[Ala719Ser]LQGASQIIAE

ClinVar aggregate classification (germline): Uncertain significance (1 of 4 stars; one submission).

gnomAD v4.1: 4 of 1,613,454 alleles (0.00025%); highest among the groups gnomAD compares: Non-Finnish European, 0.00034%; no homozygotes.

Submissions (2):

GeneDx
Classification: Uncertain significance. Last evaluated: 2024-07-09. Review status: criteria provided, single submitter. Criteria: GeneDx Variant Classification Process June 2021. Collection method: clinical testing. Allele origin: germline. Affected: yes.
Comment: Not observed at significant frequency in large population cohorts (gnomAD); In silico analysis supports that this missense variant has a deleterious effect on protein structure/function; Has not been previously published as pathogenic or benign to our knowledge

Dr. Peter K. Rogan Lab, Western University
No classification provided (evidence only). Condition: Uterine corpus endometrial carcinoma. Review status: no classification provided. Collection method: in vitro. Allele origin: not applicable. Functional consequence: retained intron. Not counted in ClinVar's aggregate classification.